The following is an entry in ClinVar:

NM_001297.5(CNGB1):c.3355A>T (p.Met1119Leu)

Gene: CNGB1 (cyclic nucleotide gated channel subunit beta 1; minus strand). Cytogenetic location: 16q21.
Variant type: single nucleotide variant.
Coding change: c.3355A>T on transcript NM_001297.5 (MANE Select); coding-DNA position 3355, A replaced by T.
Protein change: p.Met1119Leu; replaces methionine 1119 with leucine.
Molecular consequence: missense variant.
Genome position (GRCh38, 1-based): chr16:57,887,962, T>A on the plus strand (A>T on the coding strand, the complement: CNGB1 is on the minus strand). VCF-style: chr16-57887962-T-A. GRCh37 (hg19) VCF-style: chr16-57921866-T-A.
Other names: c.3337A>T, p.Met1113Leu (NM_001286130.2); short protein forms M1113L, M1119L.
Identifiers: ClinVar variation 1004266 (VCV001004266.7), dbSNP rs1293470776, ClinGen allele CA396062096.

ClinVar aggregate classification (germline): Uncertain significance (1 of 4 stars; one submission).

Allele frequency attached by ClinVar (database versions not stated): gnomAD exomes below 0.00001.

Submission:

Labcorp Genetics (formerly Invitae), Labcorp
Classification: Uncertain significance. Last evaluated: 2023-10-03. Review status: criteria provided, single submitter. Criteria: Invitae Variant Classification Sherloc (09022015). Collection method: clinical testing. Allele origin: germline.
Comment: This sequence change replaces methionine, which is neutral and non-polar, with leucine, which is neutral and non-polar, at codon 1119 of the CNGB1 protein (p.Met1119Leu). This variant is present in population databases (no rsID available, gnomAD 0.003%). This variant has not been reported in the literature in individuals affected with CNGB1-related conditions. ClinVar contains an entry for this variant (Variation ID: 1004266). Advanced modeling of protein sequence and biophysical properties (such as structural, functional, and spatial information, amino acid conservation, physicochemical variation, residue mobility, and thermodynamic stability) performed at Invitae indicates that this missense variant is not expected to disrupt CNGB1 protein function. In summary, the available evidence is currently insufficient to determine the role of this variant in disease. Therefore, it has been classified as a Variant of Uncertain Significance.